The following is an entry in ClinVar:

ClinVar aggregate classification (germline): Uncertain significance (1 of 4 stars; one submission).

Conditions:
Ehlers-Danlos syndrome, kyphoscoliotic type 1 (EDSKSCL1). Also called: Ehlers-Danlos syndrome, hydroxylysine-deficient; PLOD1-Related Kyphoscoliotic Ehlers-Danlos Syndrome; EHLERS-DANLOS SYNDROME, OCULAR-SCOLIOTIC TYPE; EHLERS-DANLOS SYNDROME, TYPE VIA. Identifiers: Orphanet 1900, MedGen C0268342, MONDO:0016002, OMIM 225400. Disease mechanism: loss of function.

Allele frequency attached by ClinVar (database versions not stated): TOPMed below 0.00001.

Submission:

Labcorp Genetics (formerly Invitae), Labcorp
Classification: Uncertain significance for Ehlers-Danlos syndrome, kyphoscoliotic type 1. Last evaluated: 2019-09-12. Review status: criteria provided, single submitter. Criteria: Invitae Variant Classification Sherloc (09022015). Collection method: clinical testing. Allele origin: germline.
Comment: This sequence change replaces asparagine with lysine at codon 686 of the PLOD1 protein (p.Asn686Lys). The asparagine residue is highly conserved and there is a moderate physicochemical difference between asparagine and lysine. In summary, the available evidence is currently insufficient to determine the role of this variant in disease. Therefore, it has been classified as a Variant of Uncertain Significance. Algorithms developed to predict the effect of missense changes on protein structure and function are either unavailable or do not agree on the potential impact of this missense change (SIFT: "Deleterious"; PolyPhen-2: "Probably Damaging"; Align-GVGD: "Class C0"). This variant has not been reported in the literature in individuals with PLOD1-related conditions. This variant is not present in population databases (ExAC no frequency).

NM_000302.4(PLOD1):c.2058C>G (p.Asn686Lys)

Gene: PLOD1 (procollagen-lysine,2-oxoglutarate 5-dioxygenase 1; plus strand). Cytogenetic location: 1p36.22.
Variant type: single nucleotide variant.
Coding change: c.2058C>G on transcript NM_000302.4 (MANE Select); coding-DNA position 2058, C replaced by G.
Protein change: p.Asn686Lys; replaces asparagine 686 with lysine.
Molecular consequence: missense variant.
Genome position (GRCh38, 1-based): chr1:11,974,682, C>G. VCF-style: chr1-11974682-C-G. GRCh37 (hg19) VCF-style: chr1-12034739-C-G.
Other names: c.2199C>G, p.Asn733Lys (NM_001316320.2); short protein forms N686K, N733K.
Identifiers: ClinVar variation 962731 (VCV000962731.10), dbSNP rs1010336383, ClinGen allele CA18022152.